The following is an entry in ClinVar:

ClinVar aggregate classification (germline): Uncertain significance (1 of 4 stars; one submission).

Submission:

Labcorp Genetics (formerly Invitae), Labcorp
Classification: Uncertain significance. Last evaluated: 2022-05-12. Review status: criteria provided, single submitter. Criteria: Invitae Variant Classification Sherloc (09022015). Collection method: clinical testing. Allele origin: germline.
Comment: In summary, the available evidence is currently insufficient to determine the role of this variant in disease. Therefore, it has been classified as a Variant of Uncertain Significance. Algorithms developed to predict the effect of missense changes on protein structure and function are either unavailable or do not agree on the potential impact of this missense change (SIFT: "Tolerated"; PolyPhen-2: "Possibly Damaging"; Align-GVGD: "Class C0"). This variant has not been reported in the literature in individuals affected with LAMA1-related conditions. This variant is not present in population databases (gnomAD no frequency). This sequence change replaces tyrosine, which is neutral and polar, with phenylalanine, which is neutral and non-polar, at codon 634 of the LAMA1 protein (p.Tyr634Phe).

NM_005559.4(LAMA1):c.1901A>T (p.Tyr634Phe)

Gene: LAMA1 (laminin subunit alpha 1; minus strand). Cytogenetic location: 18p11.31.
Variant type: single nucleotide variant.
Coding change: c.1901A>T on transcript NM_005559.4 (MANE Select); coding-DNA position 1901, A replaced by T.
Protein change: p.Tyr634Phe; replaces tyrosine 634 with phenylalanine.
Molecular consequence: missense variant.
Genome position (GRCh38, 1-based): chr18:7,034,629, T>A on the plus strand (A>T on the coding strand, the complement: LAMA1 is on the minus strand). VCF-style: chr18-7034629-T-A. GRCh37 (hg19) VCF-style: chr18-7034628-T-A.
Other names: short protein forms Y634F.
Identifiers: ClinVar variation 1993356 (VCV001993356.4), dbSNP rs2510085974, ClinGen allele CA401830471.